The following is an entry in ClinVar:

ClinVar aggregate classification (germline): Likely benign (1 of 4 stars; one submission).

Allele frequency attached by ClinVar (database versions not stated): 1000 Genomes Project 0.00020; 1000 Genomes Project 30x 0.00031; TOPMed 0.00039.
gnomAD v4.1: 640 of 1,556,752 alleles (0.041%); highest among the groups gnomAD compares: Admixed American, 0.1%; 2 homozygotes.

Submission:

CeGaT Center for Human Genetics Tuebingen
Classification: Likely benign. Last evaluated: 2022-10-01. Review status: criteria provided, single submitter. Criteria: CeGaT Center For Human Genetics Tuebingen Variant Classification Criteria Version 2. Collection method: clinical testing. Allele origin: germline. Affected: yes. Observed: 1 variant allele.
Comment: RANBP9: BP4, BP7

NM_005493.3(RANBP9):c.396C>G (p.Pro132=)

Gene: RANBP9 (RAN binding protein 9; minus strand). Cytogenetic location: 6p23.
Variant type: single nucleotide variant.
Coding change: c.396C>G on transcript NM_005493.3 (MANE Select); coding-DNA position 396, C replaced by G.
Protein change: p.Pro132=; no amino-acid change (proline 132 retained).
Molecular consequence: synonymous variant.
Genome position (GRCh38, 1-based): chr6:13,711,110, G>C on the plus strand (C>G on the coding strand, the complement: RANBP9 is on the minus strand). VCF-style: chr6-13711110-G-C. GRCh37 (hg19) VCF-style: chr6-13711342-G-C.
Identifiers: ClinVar variation 2656244 (VCV002656244.24), dbSNP rs577515421, ClinGen allele CA3641575.
Genomic context (GRCh38, chr6:13,711,110, plus strand): 5'-CTTCAGCCGCCGCTGCAACTCCTTCTCCTGCTCGTTCAGGGCCGAGTCCCCGTGAGGGAA[G>C]GGGGCCGCGGCGCTGCTGCCCGCCACCAGAGCTGGGGTCGGGGCTCCTCCAGCCGGGCCG-3'
Protein context (NP_005484.2, residues 122-142): ALVAGSSAAA[Pro132=]FPHGDSALNE